The following is an entry in ClinVar:

ClinVar aggregate classification (germline): Uncertain significance (1 of 4 stars; one submission).

Allele frequency attached by ClinVar (database versions not stated): gnomAD exomes 0.00001; gnomAD 0.00002 and 0.00003; TOPMed 0.00004; ESP Exome Variant Server 0.00008.
gnomAD v4.1: 14 of 1,612,634 alleles (0.00087%); highest among the groups gnomAD compares: African/African-American, 0.0027%; no homozygotes.

Submission:

Laboratory for Molecular Medicine, Mass General Brigham Personalized Medicine
Classification: Uncertain significance. Last evaluated: 2019-02-26. Review status: criteria provided, single submitter. Criteria: LMM Criteria. Collection method: clinical testing. Allele origin: germline. Observed: 1 variant allele.
Comment: The p.Gly648Arg variant in HGF has not been previously reported in individuals with hearing loss but has been identified in 0.01% (2/15386) of European chromosomes by gnomAD. Computational prediction tools and conservation analysis do not provide strong support for or against an impact to the protein. In summary, the clinical significance of this variant is uncertain. ACMG/AMP Criteria applied: PM2_Supporting.

NM_000601.6(HGF):c.1942G>A (p.Gly648Arg)

Gene: HGF (hepatocyte growth factor; minus strand). Cytogenetic location: 7q21.11.
Variant type: single nucleotide variant.
Coding change: c.1942G>A on transcript NM_000601.6 (MANE Select); coding-DNA position 1942, G replaced by A.
Protein change: p.Gly648Arg; replaces glycine 648 with arginine.
Molecular consequence: missense variant.
Genome position (GRCh38, 1-based): chr7:81,705,458, C>T on the plus strand (G>A on the coding strand, the complement: HGF is on the minus strand). VCF-style: chr7-81705458-C-T. GRCh37 (hg19) VCF-style: chr7-81334774-C-T.
Other names: c.1927G>A, p.Gly643Arg (NM_001010932.3); short protein forms G643R, G648R.
Identifiers: ClinVar variation 667244 (VCV000667244.5), dbSNP rs150109563, ClinGen allele CA161107420.